The following is an entry in ClinVar:

NM_004006.3(DMD):c.2149G>T (p.Asp717Tyr)

Gene: DMD (dystrophin; minus strand). Cytogenetic location: Xp21.1.
Variant type: single nucleotide variant.
Coding change: c.2149G>T on transcript NM_004006.3 (MANE Select); coding-DNA position 2149, G replaced by T.
Protein change: p.Asp717Tyr; replaces aspartic acid 717 with tyrosine.
Molecular consequence: missense variant.
Genome position (GRCh38, 1-based): chrX:32,545,178, C>A on the plus strand (G>T on the coding strand, the complement: DMD is on the minus strand). VCF-style: chrX-32545178-C-A. GRCh37 (hg19) VCF-style: chrX-32563295-C-A.
Other names: c.2125G>T, p.Asp709Tyr (NM_000109.4); c.2137G>T, p.Asp713Tyr (NM_004009.3); c.1780G>T, p.Asp594Tyr (NM_004010.3); short protein forms D594Y, D709Y, D717Y, D713Y.
Identifiers: ClinVar variation 3706890 (VCV003706890.2).

ClinVar aggregate classification (germline): Uncertain significance (1 of 4 stars; one submission).

Conditions:
Duchenne muscular dystrophy (DMD). Also called: MUSCULAR DYSTROPHY, PSEUDOHYPERTROPHIC PROGRESSIVE, DUCHENNE TYPE; Duchenne Muscular Dystrophy (DMD). Identifiers: Orphanet 98896, MedGen C0013264, MONDO:0010679, OMIM 310200.

gnomAD v4.1: 2 of 1,210,742 alleles (0.00017%); highest among the groups gnomAD compares: East Asian, 0.0059%; no homozygotes.

Submission:

Labcorp Genetics (formerly Invitae), Labcorp
Classification: Uncertain significance for Duchenne muscular dystrophy. Last evaluated: 2024-04-09. Review status: criteria provided, single submitter. Criteria: Invitae Variant Classification Sherloc (09022015). Collection method: clinical testing. Allele origin: germline.
Comment: This sequence change replaces aspartic acid, which is acidic and polar, with tyrosine, which is neutral and polar, at codon 717 of the DMD protein (p.Asp717Tyr). This variant is not present in population databases (gnomAD no frequency). This variant has not been reported in the literature in individuals affected with DMD-related conditions. Advanced modeling of protein sequence and biophysical properties (such as structural, functional, and spatial information, amino acid conservation, physicochemical variation, residue mobility, and thermodynamic stability) performed at Invitae indicates that this missense variant is not expected to disrupt DMD protein function with a negative predictive value of 95%. In summary, the available evidence is currently insufficient to determine the role of this variant in disease. Therefore, it has been classified as a Variant of Uncertain Significance.